The following is an entry in ClinVar:

ClinVar aggregate classification (germline): Likely pathogenic. Review status: criteria provided, multiple submitters, no conflicts (2 of 4 stars). 2 submissions from 2 submitters: Likely pathogenic (2). Last evaluated 2024-03-25.

Conditions:
SLC45A2-related disorder. Also called: SLC45A2-related condition.

Allele frequency attached by ClinVar (database versions not stated): ExAC 0.00002; gnomAD 0.00002; TOPMed 0.00001.
gnomAD v4.1: 48 of 1,614,102 alleles (0.003%); highest among the groups gnomAD compares: Non-Finnish European, 0.0038%; no homozygotes.

Submissions (2):

Labcorp Genetics (formerly Invitae), Labcorp
Classification: Likely pathogenic. Last evaluated: 2024-03-25. Review status: criteria provided, single submitter. Criteria: Invitae Variant Classification Sherloc (09022015). Collection method: clinical testing. Allele origin: germline.
Comment: This sequence change replaces cysteine, which is neutral and slightly polar, with arginine, which is basic and polar, at codon 519 of the SLC45A2 protein (p.Cys519Arg). This variant is present in population databases (rs750510834, gnomAD 0.004%). This missense change has been observed in individual(s) with clinical features of oculocutaneous albinism (Invitae). In at least one individual the data is consistent with being in trans (on the opposite chromosome) from a pathogenic variant. ClinVar contains an entry for this variant (Variation ID: 1939785). Advanced modeling of protein sequence and biophysical properties (such as structural, functional, and spatial information, amino acid conservation, physicochemical variation, residue mobility, and thermodynamic stability) performed at Invitae indicates that this missense variant is expected to disrupt SLC45A2 protein function with a positive predictive value of 80%. In summary, the currently available evidence indicates that the variant is pathogenic, but additional data are needed to prove that conclusively. Therefore, this variant has been classified as Likely Pathogenic.

Blueprint Genetics
Classification: Likely pathogenic for SLC45A2-related disorders. Last evaluated: 2021-06-29. Review status: criteria provided, single submitter. Criteria: ACMG Guidelines, 2015. Collection method: clinical testing. Allele origin: germline. Affected: yes. Observed: 4 variant alleles.

NM_016180.5(SLC45A2):c.1555T>C (p.Cys519Arg)

Gene: SLC45A2 (solute carrier family 45 member 2; minus strand). Cytogenetic location: 5p13.2.
Variant type: single nucleotide variant.
Coding change: c.1555T>C on transcript NM_016180.5 (MANE Select); coding-DNA position 1555, T replaced by C.
Protein change: p.Cys519Arg; replaces cysteine 519 with arginine.
Molecular consequence: missense variant.
Genome position (GRCh38, 1-based): chr5:33,944,686, A>G on the plus strand (T>C on the coding strand, the complement: SLC45A2 is on the minus strand). VCF-style: chr5-33944686-A-G. GRCh37 (hg19) VCF-style: chr5-33944791-A-G.
Other names: short protein forms C519R.
Identifiers: ClinVar variation 1939785 (VCV001939785.6), dbSNP rs750510834, ClinGen allele CA3225414.